The following is an entry in ClinVar:

ClinVar aggregate classification (germline): Benign. Review status: criteria provided, multiple submitters, no conflicts (2 of 4 stars). 6 submissions from 6 submitters: Benign (6). Last evaluated 2026-02-03.

Conditions:
Early-onset Lafora body disease. Also called: Epilepsy, progressive myoclonic, 10. Identifiers: Orphanet 324290, MedGen C4225258, MONDO:0014717, OMIM 616640.

Allele frequency attached by ClinVar (database versions not stated): ESP Exome Variant Server 0.22643; gnomAD 0.26373 and 0.27239; TOPMed 0.26557; gnomAD exomes 0.28039 and 0.32098; ExAC 0.32294; 1000 Genomes Project 30x 0.34057; 1000 Genomes Project 0.34844.
gnomAD v4.1: 451,564 of 1,612,362 alleles (28%); highest among the groups gnomAD compares: East Asian, 62%; 67,937 homozygotes.

Submissions (6):

Labcorp Genetics (formerly Invitae), Labcorp
Classification: Benign for Early-onset Lafora body disease. Last evaluated: 2026-02-03. Review status: criteria provided, single submitter. Criteria: Invitae Variant Classification Sherloc (09022015). Collection method: clinical testing. Allele origin: germline.

Blueprint Genetics
Classification: Benign. Last evaluated: 2024-11-26. Review status: criteria provided, single submitter. Criteria: ACMG Guidelines, 2015. Collection method: clinical testing. Allele origin: germline.

Unidad de Genómica Garrahan, Hospital de Pediatría Garrahan
Classification: Benign. Last evaluated: 2024-07-15. Review status: criteria provided, single submitter. Criteria: ACMG Guidelines, 2015. Collection method: clinical testing. Allele origin: germline. Affected: no. Observed: 65 variant alleles.
Comment: This variant is classified as Benign based on local population frequency. This variant was detected in 70% of patients studied in a panel designed for Epileptic and Developmental Encephalopathy and Progressive Myoclonus Epilepsy. Number of patients: 65. Only high quality variants are reported.

Genome-Nilou Lab
Classification: Benign for Early-onset Lafora body disease. Last evaluated: 2021-10-25. Review status: criteria provided, single submitter. Criteria: ACMG Guidelines, 2015. Collection method: clinical testing. Allele origin: germline. Affected: no.

GeneDx
Classification: Benign. Last evaluated: 2019-06-25. Review status: criteria provided, single submitter. Criteria: GeneDx Variant Classification Process June 2021. Collection method: clinical testing. Allele origin: germline. Affected: yes.

Breakthrough Genomics
Classification: Benign. Review status: criteria provided, single submitter. Criteria: ACMG Guidelines, 2015. Collection method: not provided. Allele origin: germline. Inheritance: Autosomal recessive inheritance. Affected: yes.

NM_001099403.2(PRDM8):c.1980G>C (p.Arg660=)

Gene: PRDM8 (PR/SET domain 8; plus strand). Cytogenetic location: 4q21.21.
Variant type: single nucleotide variant.
Coding change: c.1980G>C on transcript NM_001099403.2 (MANE Select); coding-DNA position 1980, G replaced by C.
Protein change: p.Arg660=; no amino-acid change (arginine 660 retained).
Molecular consequence: synonymous variant.
Genome position (GRCh38, 1-based): chr4:80,203,442, G>C. VCF-style: chr4-80203442-G-C. GRCh37 (hg19) VCF-style: chr4-81124596-G-C.
Other names: c.1980G>C, p.Arg660= (NM_020226.4).
Identifiers: ClinVar variation 1170071 (VCV001170071.16), dbSNP rs12780, ClinGen allele CA2982495.
Genomic context (GRCh38, chr4:80,203,442, plus strand): 5'-GGTGTACCATATGAGGTCGCACCACAAAAAGGAGTATGCGATGGAGCCCTTGGTGAAGCG[G>C]CGGCGAGAGGAGAAACTCAAGTGCCCCATCTGCAATGAGTCCTTCAGGGAGCGCCACCAC-3'
Protein context (NP_001092873.1, residues 650-670): KEYAMEPLVK[Arg660=]RREEKLKCPI